The following is an entry in ClinVar:

ClinVar aggregate classification (germline): Uncertain significance (1 of 4 stars; one submission).

Conditions:
Peroxisome biogenesis disorder 9B. Also called: PEX7-Related Refsum Disease; PEROXISOME BIOGENESIS DISORDER, PEX7-RELATED, ATYPICAL; Refsum disease, adult, 2. Identifiers: Orphanet 773, MedGen C2749346, MONDO:0013945, OMIM 614879.

Submission:

Labcorp Genetics (formerly Invitae), Labcorp
Classification: Uncertain significance for Peroxisome biogenesis disorder 9B. Last evaluated: 2022-11-01. Review status: criteria provided, single submitter. Criteria: Invitae Variant Classification Sherloc (09022015). Collection method: clinical testing. Allele origin: germline.
Comment: This sequence change replaces alanine, which is neutral and non-polar, with serine, which is neutral and polar, at codon 244 of the PEX7 protein (p.Ala244Ser). This variant is not present in population databases (gnomAD no frequency). This variant has not been reported in the literature in individuals affected with PEX7-related conditions. ClinVar contains an entry for this variant (Variation ID: 1481142). Algorithms developed to predict the effect of missense changes on protein structure and function are either unavailable or do not agree on the potential impact of this missense change (SIFT: "Deleterious"; PolyPhen-2: "Possibly Damaging"; Align-GVGD: "Class C0"). In summary, the available evidence is currently insufficient to determine the role of this variant in disease. Therefore, it has been classified as a Variant of Uncertain Significance.

NM_000288.4(PEX7):c.730G>T (p.Ala244Ser)

Gene: PEX7 (peroxisomal biogenesis factor 7; plus strand). Cytogenetic location: 6q23.3.
Variant type: single nucleotide variant.
Coding change: c.730G>T on transcript NM_000288.4 (MANE Select); coding-DNA position 730, G replaced by T.
Protein change: p.Ala244Ser; replaces alanine 244 with serine.
Molecular consequence: missense variant.
Genome position (GRCh38, 1-based): chr6:136,869,986, G>T. VCF-style: chr6-136869986-G-T. GRCh37 (hg19) VCF-style: chr6-137191124-G-T.
Other names: short protein forms A244S.
Identifiers: ClinVar variation 1481142 (VCV001481142.8), dbSNP rs375091907, ClinGen allele CA365764128.